The following is an entry in ClinVar:

NM_022765.4(MICAL1):c.2848G>A (p.Val950Met)

Gene: MICAL1 (microtubule associated monooxygenase, calponin and LIM domain containing 1; minus strand). Cytogenetic location: 6q21.
Variant type: single nucleotide variant.
Coding change: c.2848G>A on transcript NM_022765.4 (MANE Select); coding-DNA position 2848, G replaced by A.
Protein change: p.Val950Met; replaces valine 950 with methionine.
Molecular consequence: missense variant.
Genome position (GRCh38, 1-based): chr6:109,445,230, C>T on the plus strand (G>A on the coding strand, the complement: MICAL1 is on the minus strand). VCF-style: chr6-109445230-C-T. GRCh37 (hg19) VCF-style: chr6-109766433-C-T.
Other names: c.2590G>A, p.Val864Met (NM_001159291.2); c.2905G>A, p.Val969Met (NM_001286613.2); short protein forms V864M, V969M, V950M.
Identifiers: ClinVar variation 2299694 (VCV002299694.5), dbSNP rs746442435, ClinGen allele CA3952728.

ClinVar aggregate classification (germline): Conflicting classifications of pathogenicity. Review status: criteria provided, conflicting classifications (1 of 4 stars). 2 submissions from 2 submitters: Uncertain significance (1); Likely benign (1). Last evaluated 2025-02-13.

Allele frequency attached by ClinVar (database versions not stated): TOPMed 0.00002; ExAC 0.00008; gnomAD 0.00002.

Submissions (2):

Labcorp Genetics (formerly Invitae), Labcorp
Classification: Uncertain significance. Last evaluated: 2025-02-13. Review status: criteria provided, single submitter. Criteria: Invitae Variant Classification Sherloc (09022015). Collection method: clinical testing. Allele origin: germline.
Comment: This sequence change replaces valine, which is neutral and non-polar, with methionine, which is neutral and non-polar, at codon 969 of the MICAL1 protein (p.Val969Met). This variant is present in population databases (rs746442435, gnomAD 0.009%). This variant has not been reported in the literature in individuals affected with MICAL1-related conditions. ClinVar contains an entry for this variant (Variation ID: 2299694). An algorithm developed to predict the effect of missense changes on protein structure and function outputs the following: PolyPhen-2: "Benign". The methionine amino acid residue is found in multiple mammalian species, which suggests that this missense change does not adversely affect protein function. In summary, the available evidence is currently insufficient to determine the role of this variant in disease. Therefore, it has been classified as a Variant of Uncertain Significance.

Ambry Genetics
Classification: Likely benign. Last evaluated: 2022-07-05. Review status: criteria provided, single submitter. Criteria: Ambry Variant Classification Scheme 2023. Collection method: clinical testing. Allele origin: germline.